The following is an entry in ClinVar:

ClinVar aggregate classification (germline): Uncertain significance (1 of 4 stars; one submission).

Submission:

GeneDx
Classification: Uncertain significance. Last evaluated: 2026-01-25. Review status: criteria provided, single submitter. Criteria: GeneDx Variant Classification Process June 2021. Collection method: clinical testing. Allele origin: germline.
Comment: Not observed at significant frequency in large population cohorts (gnomAD); In silico analysis supports that this missense variant has a deleterious effect on protein structure/function; Has not been previously published as pathogenic or benign to our knowledge

NM_017617.5(NOTCH1):c.5663C>T (p.Ala1888Val)

Gene: NOTCH1 (notch receptor 1; minus strand). Cytogenetic location: 9q34.3.
Variant type: single nucleotide variant.
Coding change: c.5663C>T on transcript NM_017617.5 (MANE Select); coding-DNA position 5663, C replaced by T.
Protein change: p.Ala1888Val; replaces alanine 1888 with valine.
Molecular consequence: missense variant.
Genome position (GRCh38, 1-based): chr9:136,500,823, G>A on the plus strand (C>T on the coding strand, the complement: NOTCH1 is on the minus strand). VCF-style: chr9-136500823-G-A. GRCh37 (hg19) VCF-style: chr9-139395275-G-A.
Other names: short protein forms A1888V.
Identifiers: ClinVar variation 4975668 (VCV004975668.1).